The following is an entry in ClinVar:

NM_006922.4(SCN3A):c.2411C>T (p.Thr804Ile)

Gene: SCN3A (sodium voltage-gated channel alpha subunit 3; minus strand). Cytogenetic location: 2q24.3.
Variant type: single nucleotide variant.
Coding change: c.2411C>T on transcript NM_006922.4 (MANE Select); coding-DNA position 2411, C replaced by T.
Protein change: p.Thr804Ile; replaces threonine 804 with isoleucine.
Molecular consequence: missense variant.
Genome position (GRCh38, 1-based): chr2:165,131,398, G>A on the plus strand (C>T on the coding strand, the complement: SCN3A is on the minus strand). VCF-style: chr2-165131398-G-A. GRCh37 (hg19) VCF-style: chr2-165987908-G-A.
Other names: c.2264C>T, p.Thr755Ile (NM_001081676.2, NM_001081677.2); short protein forms T804I, T755I.
Identifiers: ClinVar variation 432869 (VCV000432869.9), dbSNP rs1428022575, ClinGen allele CA349043479.

ClinVar aggregate classification (germline): Uncertain significance. Review status: criteria provided, multiple submitters, no conflicts (2 of 4 stars). 2 submissions from 2 submitters: Uncertain significance (2). Last evaluated 2024-10-21.

Allele frequency attached by ClinVar (database versions not stated): gnomAD exomes below 0.00001; gnomAD 0.00001.
gnomAD v4.1: 2 of 1,604,196 alleles (0.00012%); highest among the groups gnomAD compares: Non-Finnish European, 0.00017%; no homozygotes.

Submissions (2):

GeneDx
Classification: Uncertain significance. Last evaluated: 2024-10-21. Review status: criteria provided, single submitter. Criteria: GeneDx Variant Classification Process June 2021. Collection method: clinical testing. Allele origin: germline. Affected: yes.
Comment: Not observed at significant frequency in large population cohorts (gnomAD); In silico analysis supports that this missense variant has a deleterious effect on protein structure/function; Has not been previously published as pathogenic or benign to our knowledge

Labcorp Genetics (formerly Invitae), Labcorp
Classification: Uncertain significance. Last evaluated: 2023-09-10. Review status: criteria provided, single submitter. Criteria: Invitae Variant Classification Sherloc (09022015). Collection method: clinical testing. Allele origin: germline.
Comment: In summary, the available evidence is currently insufficient to determine the role of this variant in disease. Therefore, it has been classified as a Variant of Uncertain Significance. Advanced modeling of protein sequence and biophysical properties (such as structural, functional, and spatial information, amino acid conservation, physicochemical variation, residue mobility, and thermodynamic stability) performed at Invitae indicates that this missense variant is expected to disrupt SCN3A protein function. ClinVar contains an entry for this variant (Variation ID: 432869). This variant has not been reported in the literature in individuals affected with SCN3A-related conditions. This variant is not present in population databases (gnomAD no frequency). This sequence change replaces threonine, which is neutral and polar, with isoleucine, which is neutral and non-polar, at codon 804 of the SCN3A protein (p.Thr804Ile).